The following is an entry in ClinVar:

NM_000322.5(PRPH2):c.732C>G (p.Asn244Lys)

Gene: PRPH2 (peripherin 2; minus strand). Cytogenetic location: 6p21.1.
Variant type: single nucleotide variant.
Coding change: c.732C>G on transcript NM_000322.5 (MANE Select); coding-DNA position 732, C replaced by G.
Protein change: p.Asn244Lys; replaces asparagine 244 with lysine.
Molecular consequence: missense variant.
Genome position (GRCh38, 1-based): chr6:42,704,461, G>C on the plus strand (C>G on the coding strand, the complement: PRPH2 is on the minus strand). VCF-style: chr6-42704461-G-C. GRCh37 (hg19) VCF-style: chr6-42672199-G-C.
Other names: short protein forms N244K.
Identifiers: ClinVar variation 98705 (VCV000098705.3), dbSNP rs61755816, ClinGen allele CA226306.

ClinVar aggregate classification (germline): Pathogenic/Likely pathogenic. Review status: no assertion criteria provided (0 of 4 stars). 3 submissions from 3 submitters: Pathogenic (1); Likely pathogenic (1). 1 of the submissions does not count toward it. Last evaluated 2021-04-06.

Conditions:
Retinitis pigmentosa (RP). Identifiers: Orphanet 791, MedGen C0035334, MeSH D012174, MONDO:0019200, OMIM 268000. Inheritance: Autosomal dominant, autosomal recessive and X linked inheritance.

Submissions (3):

Leiden Open Variation Database
Classification: Pathogenic. Last evaluated: 2021-04-06. Review status: no assertion criteria provided. Collection method: curation. Allele origin: germline. Affected: yes.
Comment: Curator: Global Variome, with Curator vacancy. Submitters to LOVD: Global Variome, with Curator vacancy, Manon Peeters.

Sharon lab, Hadassah-Hebrew University Medical Center
Classification: Likely pathogenic for Retinitis pigmentosa. Last evaluated: 2019-06-23. Review status: no assertion criteria provided. Collection method: research. Allele origin: inherited. Affected: yes.

Retina International
No classification provided. Review status: no classification provided. Collection method: not provided. Allele origin: not provided. Not counted in ClinVar's aggregate classification.

Literature cited by the submitters: PubMed 31456290 (cited by Leiden Open Variation Database).